The following is an entry in ClinVar:

ClinVar aggregate classification (germline): Uncertain significance (1 of 4 stars; one submission).

Submission:

GeneDx
Classification: Uncertain significance. Last evaluated: 2025-07-14. Review status: criteria provided, single submitter. Criteria: GeneDx Variant Classification Process June 2021. Collection method: clinical testing. Allele origin: germline. Affected: yes.
Comment: Not observed at significant frequency in large population cohorts (gnomAD); In silico analysis suggests that this missense variant does not alter protein structure/function; Has not been previously published as pathogenic or benign to our knowledge

NM_001282874.2(SMARCA1):c.211A>G (p.Lys71Glu)

Gene: SMARCA1 (SNF2 related chromatin remodeling ATPase 1; minus strand). Cytogenetic location: Xq26.1.
Variant type: single nucleotide variant.
Coding change: c.211A>G on transcript NM_001282874.2 (MANE Select); coding-DNA position 211, A replaced by G.
Protein change: p.Lys71Glu; replaces lysine 71 with glutamic acid.
Molecular consequence: missense variant.
Genome position (GRCh38, 1-based): chrX:129,518,411, T>C on the plus strand (A>G on the coding strand, the complement: SMARCA1 is on the minus strand). VCF-style: chrX-129518411-T-C. GRCh37 (hg19) VCF-style: chrX-128652388-T-C.
Other names: c.211A>G, p.Lys71Glu (NM_001282875.2, NM_001378261.1, NM_001378262.1 and 3 more transcripts); short protein forms K71E.
Identifiers: ClinVar variation 4686337 (VCV004686337.1).